The following is an entry in ClinVar:

NM_198597.3(SEC24C):c.1095C>T (p.Asp365=)

Gene: SEC24C (SEC24 homolog C, COPII component; plus strand). Cytogenetic location: 10q22.2.
Variant type: single nucleotide variant.
Coding change: c.1095C>T on transcript NM_198597.3 (MANE Select); coding-DNA position 1095, C replaced by T.
Protein change: p.Asp365=; no amino-acid change (aspartic acid 365 retained).
Molecular consequence: synonymous variant.
Genome position (GRCh38, 1-based): chr10:73,763,597, C>T. VCF-style: chr10-73763597-C-T. GRCh37 (hg19) VCF-style: chr10-75523355-C-T.
Other names: c.1095C>T, p.Asp365= (NM_004922.4).
Identifiers: ClinVar variation 5040724 (VCV005040724.1).

ClinVar aggregate classification (germline): Likely benign (1 of 4 stars; one submission).

gnomAD v4.1: 3 of 1,558,376 alleles (0.00019%); highest among the groups gnomAD compares: Admixed American, 0.0017%; no homozygotes.

Submission:

CeGaT Center for Human Genetics Tuebingen
Classification: Likely benign. Last evaluated: 2026-08-01. Review status: criteria provided, single submitter. Criteria: CeGaT Center For Human Genetics Tuebingen Variant Classification Criteria Version 2. Collection method: clinical testing. Allele origin: germline. Affected: yes. Observed: 1 variant allele.
Comment: SEC24C: BP4, BP7